The following is an entry in ClinVar:

NM_022051.3(EGLN1):c.423A>C (p.Glu141Asp)

Gene: EGLN1 (egl-9 family hypoxia inducible factor 1; minus strand). Cytogenetic location: 1q42.2.
Variant type: single nucleotide variant.
Coding change: c.423A>C on transcript NM_022051.3 (MANE Select); coding-DNA position 423, A replaced by C.
Protein change: p.Glu141Asp; replaces glutamic acid 141 with aspartic acid.
Molecular consequence: missense variant.
Genome position (GRCh38, 1-based): chr1:231,421,466, T>G on the plus strand (A>C on the coding strand, the complement: EGLN1 is on the minus strand). VCF-style: chr1-231421466-T-G. GRCh37 (hg19) VCF-style: chr1-231557212-T-G.
Other names: c.423A>C, p.Glu141Asp (NM_001377260.1, NM_001377261.1); short protein forms E141D.
Identifiers: ClinVar variation 1738958 (VCV001738958.2), dbSNP rs2527360167, ClinGen allele CA345237114.

ClinVar aggregate classification (germline): Uncertain significance (1 of 4 stars; one submission).

Submission:

Ambry Genetics
Classification: Uncertain significance. Last evaluated: 2021-12-10. Review status: criteria provided, single submitter. Criteria: Ambry Variant Classification Scheme 2023. Collection method: clinical testing. Allele origin: germline.
Comment: The p.E141D variant (also known as c.423A>C), located in coding exon 1 of the EGLN1 gene, results from an A to C substitution at nucleotide position 423. The glutamic acid at codon 141 is replaced by aspartic acid, an amino acid with highly similar properties. This amino acid position is conserved. In addition, this alteration is predicted to be tolerated by in silico analysis. Since supporting evidence is limited at this time, the clinical significance of this alteration remains unclear.